The following is an entry in ClinVar:

NM_017613.4(DONSON):c.1563+1del

Gene: DONSON (DNA replication fork stabilization factor DONSON; minus strand). Cytogenetic location: 21q22.11.
Variant type: Deletion.
Coding change: c.1563+1del on transcript NM_017613.4 (MANE Select); the canonical splice donor site of the intron after coding-DNA position 1563, one base deleted (G; older notation c.1563+1delG).
Molecular consequence: splice donor variant.
Genome position (GRCh38, 1-based): chr21:33,579,349, C deleted on the plus strand (G on the coding strand, the reverse complement: DONSON is on the minus strand); the first of 2 consecutive C bases (chr21:33,579,349-33,579,350); deleting either gives the same sequence. VCF-style (leftmost placement, unchanged base first): chr21-33579348-AC-A. GRCh37 (hg19) VCF-style: chr21-34951654-AC-A.
Identifiers: ClinVar variation 1451531 (VCV001451531.6), dbSNP rs2086478717, ClinGen allele CA2386743625.

ClinVar aggregate classification (germline): Pathogenic (1 of 4 stars; one submission).

Submission:

Labcorp Genetics (formerly Invitae), Labcorp
Classification: Pathogenic. Last evaluated: 2021-05-08. Review status: criteria provided, single submitter. Criteria: Invitae Variant Classification Sherloc (09022015). Collection method: clinical testing. Allele origin: germline.
Comment: Algorithms developed to predict the effect of sequence changes on RNA splicing suggest that this variant may disrupt the consensus splice site, but this prediction has not been confirmed by published transcriptional studies. This variant has been observed in individual(s) with microcephaly-micromelia syndrome (Invitae). In at least one individual the data is consistent with the variant being in trans (on the opposite chromosome) from a pathogenic variant. This variant is also known as c.1563+1del. This variant is not present in population databases (ExAC no frequency). This sequence change creates a premature translational stop signal (p.Glu522Argfs*36) in the DONSON gene. While this is not anticipated to result in nonsense mediated decay, it is expected to disrupt the last 46 amino acid(s) of the DONSON protein. This variant disrupts a region of the protein in which other variant(s) (p.Gln543_Ile544insLys) have been observed in individuals with DONSON-related conditions (PMID: 28191891). This suggests that this may be a clinically significant region of the DONSON protein. For these reasons, this variant has been classified as Pathogenic.

Literature cited by the submitters: PubMed 28191891.